The following is an entry in ClinVar:

NM_018896.5(CACNA1G):c.6107T>C (p.Val2036Ala)

Gene: CACNA1G (calcium voltage-gated channel subunit alpha1 G; plus strand). Cytogenetic location: 17q21.33.
Variant type: single nucleotide variant.
Coding change: c.6107T>C on transcript NM_018896.5 (MANE Select); coding-DNA position 6107, T replaced by C.
Protein change: p.Val2036Ala; replaces valine 2036 with alanine.
Molecular consequence: missense variant. On other transcripts: non-coding transcript variant (5).
Genome position (GRCh38, 1-based): chr17:50,623,953, T>C. VCF-style: chr17-50623953-T-C. GRCh37 (hg19) VCF-style: chr17-48701314-T-C.
Other names: c.5918T>C, p.Val1973Ala (NM_001256324.2); c.5849T>C, p.Val1950Ala (NM_001256325.2); c.5837T>C, p.Val1946Ala (NM_001256326.2); c.5807T>C, p.Val1936Ala (NM_001256327.2); c.5753T>C, p.Val1918Ala (NM_001256328.2); c.5726T>C, p.Val1909Ala (NM_001256329.2, NM_198376.3, NM_198387.3); c.5693T>C, p.Val1898Ala (NM_001256330.2); c.5672T>C, p.Val1891Ala (NM_001256331.2); and 15 more; short protein forms V1886A, V1891A, V1898A, V1902A, V1905A, V1907A, V1909A, V1916A.
Identifiers: ClinVar variation 3361039 (VCV003361039.1).

ClinVar aggregate classification (germline): Uncertain significance (1 of 4 stars; one submission).

gnomAD v4.1: 5 of 1,613,318 alleles (0.00031%); highest among the groups gnomAD compares: Admixed American, 0.0017%; no homozygotes.

Submission:

GeneDx
Classification: Uncertain significance. Last evaluated: 2023-07-13. Review status: criteria provided, single submitter. Criteria: GeneDx Variant Classification Process June 2021. Collection method: clinical testing. Allele origin: germline. Affected: yes.
Comment: Not observed at significant frequency in large population cohorts (gnomAD); In silico analysis supports that this missense variant does not alter protein structure/function; Has not been previously published as pathogenic or benign to our knowledge